The following is an entry in ClinVar:

NM_152325.3(TEX26):c.693G>T (p.Lys231Asn)

Gene: TEX26 (testis expressed 26; plus strand). Cytogenetic location: 13q12.3.
Variant type: single nucleotide variant.
Coding change: c.693G>T on transcript NM_152325.3 (MANE Select); coding-DNA position 693, G replaced by T.
Protein change: p.Lys231Asn; replaces lysine 231 with asparagine.
Molecular consequence: missense variant.
Genome position (GRCh38, 1-based): chr13:30,968,931, G>T. VCF-style: chr13-30968931-G-T. GRCh37 (hg19) VCF-style: chr13-31543068-G-T.
Other names: c.300G>T, p.Lys100Asn (NM_001353388.2, NM_001353389.2, NM_001353390.2 and 1 more transcripts); short protein forms K100N, K231N.
Identifiers: ClinVar variation 710812 (VCV000710812.29), dbSNP rs9533168, ClinGen allele CA6935498.

ClinVar aggregate classification (germline): Benign/Likely benign. Review status: criteria provided, multiple submitters, no conflicts (2 of 4 stars). 3 submissions from 3 submitters: Benign (2); Likely benign (1). Last evaluated 2023-03-01.

Allele frequency attached by ClinVar (database versions not stated): 1000 Genomes Project 30x 0.00109; 1000 Genomes Project 0.00120; gnomAD 0.00545 and 0.00610; TOPMed 0.00564; gnomAD exomes 0.00611; ExAC 0.00653; ESP Exome Variant Server 0.00723.
gnomAD v4.1: 12,888 of 1,614,084 alleles (0.8%); highest among the groups gnomAD compares: Non-Finnish European, 0.97%; 65 homozygotes.

Submissions (3):

CeGaT Center for Human Genetics Tuebingen
Classification: Likely benign. Last evaluated: 2023-03-01. Review status: criteria provided, single submitter. Criteria: CeGaT Center For Human Genetics Tuebingen Variant Classification Criteria Version 2. Collection method: clinical testing. Allele origin: germline. Affected: yes. Observed: 1 variant allele.
Comment: TEX26: BS2

Labcorp Genetics (formerly Invitae), Labcorp
Classification: Benign. Last evaluated: 2019-12-31. Review status: criteria provided, single submitter. Criteria: Invitae Variant Classification Sherloc (09022015). Collection method: clinical testing. Allele origin: germline.

Breakthrough Genomics
Classification: Benign. Review status: criteria provided, single submitter. Criteria: ACMG Guidelines, 2015. Collection method: not provided. Allele origin: germline. Inheritance: Unknown mechanism. Affected: yes.